The following is an entry in ClinVar:

ClinVar aggregate classification (germline): Uncertain significance. Review status: criteria provided, multiple submitters, no conflicts (2 of 4 stars). 12 submissions from 12 submitters: Uncertain significance (8). 4 of the submissions do not count toward it. Last evaluated 2026-04-06.

Conditions:
HARS1-related disorder. Also called: HARS1-related condition.
Autosomal dominant Charcot-Marie-Tooth disease type 2W. Also called: CHARCOT-MARIE-TOOTH NEUROPATHY, TYPE 2W; CHARCOT-MARIE-TOOTH DISEASE, AXONAL, AUTOSOMAL DOMINANT, TYPE 2W; Charcot-Marie-Tooth disease, axonal, type 2w. Identifiers: Orphanet 488333, MedGen C5567486, MONDO:0014711, OMIM 616625.
Usher syndrome type 3B. Also called: USHER SYNDROME, TYPE IIIB. Identifiers: MedGen C3281066, MONDO:0013788, OMIM 614504.

Allele frequency attached by ClinVar (database versions not stated): ExAC 0.00007; gnomAD exomes 0.00007 and 0.00023; ESP Exome Variant Server 0.00008; gnomAD 0.00010; TOPMed 0.00010; 1000 Genomes Project 30x 0.00016; 1000 Genomes Project 0.00020.
gnomAD v4.1: 336 of 1,613,940 alleles (0.021%); highest among the groups gnomAD compares: Non-Finnish European, 0.028%; no homozygotes.

Submissions (13):

PreventionGenetics, part of Exact Sciences
Classification: Uncertain significance for HARS1-related condition. Last evaluated: 2026-04-06. Review status: criteria provided, single submitter. Criteria: ACMG Guidelines, 2015. Collection method: clinical testing. Allele origin: germline.
Comment: The HARS1 c.410G>A variant is predicted to result in the amino acid substitution p.Arg137Gln. This variant has been reported in the heterozygous state in individuals with peripheral neuropathy (Vester et al. 2013. PubMed ID: 22930593; Thompson et al. 2018. PubMed ID: 29790872; Supplementary Table 2, Gorukmez et al. 2023. PubMed ID: 36964972). It has also been reported in the compound heterozygous state in an individual with Usher syndrome (Tiwari et al. 2016. PubMed ID: 27353947). Experimental studies indicate this variant impacts protein function (Vester et al. 2013. PubMed ID: 22930593; Mullen et al. 2020. PubMed ID: 32543048). This variant is reported in 0.015% of alleles in individuals of European (non-Finnish) descent in gnomAD. At this time, the clinical significance of this variant is uncertain due to the absence of conclusive functional and genetic evidence.

Labcorp Genetics (formerly Invitae), Labcorp
Classification: Uncertain significance for Usher syndrome type 3B. Last evaluated: 2026-01-18. Review status: criteria provided, single submitter. Criteria: Invitae Variant Classification Sherloc (09022015). Collection method: clinical testing. Allele origin: germline.
Comment: This sequence change replaces arginine, which is basic and polar, with glutamine, which is neutral and polar, at codon 137 of the HARS protein (p.Arg137Gln). This variant is present in population databases (rs191391414, gnomAD 0.02%). This missense change has been observed in individual(s) with HARS-related conditions (PMID: 22930593, 27353947, 29790872, 36964972). This variant is also known as c.290G>A (p.Arg97Gln). ClinVar contains an entry for this variant (Variation ID: 40062). Invitae Evidence Modeling of protein sequence and biophysical properties (such as structural, functional, and spatial information, amino acid conservation, physicochemical variation, residue mobility, and thermodynamic stability) indicates that this missense variant is expected to disrupt HARS protein function with a positive predictive value of 80%. Experimental studies have shown that this missense change affects HARS function (PMID: 22930593, 32543048). In summary, the available evidence is currently insufficient to determine the role of this variant in disease. Therefore, it has been classified as a Variant of Uncertain Significance.

HudsonAlpha Institute for Biotechnology
Classification: Uncertain significance for Autosomal dominant Charcot-Marie-Tooth disease type 2W. Last evaluated: 2024-01-04. Review status: criteria provided, single submitter. Criteria: HA_assertions_20161101. Collection method: research. Allele origin: unknown. Affected: yes. Observed: 1 variant allele. Study: CSER-HudsonAlpha.

Blueprint Genetics
Classification: Uncertain significance. Last evaluated: 2023-09-19. Review status: criteria provided, single submitter. Criteria: ACMG Guidelines, 2015. Collection method: clinical testing. Allele origin: germline.

Ambry Genetics
Classification: Uncertain significance. Last evaluated: 2023-06-05. Review status: criteria provided, single submitter. Criteria: Ambry Variant Classification Scheme 2023. Collection method: clinical testing. Allele origin: germline.

GeneDx
Classification: Uncertain significance. Last evaluated: 2022-10-04. Review status: criteria provided, single submitter. Criteria: GeneDx Variant Classification Process June 2021. Collection method: clinical testing. Allele origin: germline. Affected: yes.
Comment: Reported as a heterozygous variant in an individual with peripheral neuropathy (Vester et al., 2013); Reported with a variant on the opposite allele (in trans) in a patient with Usher syndrome in published literature (Tiwari et al., 2016); Published functional studies demonstrate the R137Q variant reduces neurite outgrowth as a result of decreased protein synthesis (Mullen et al., 2021); In silico analysis supports that this missense variant has a deleterious effect on protein structure/function; This variant is associated with the following publications: (PMID: 23465884, 26072516, 29790872, 27353947, 33236345, 24917879, 23913540, 27876679, 32940403, 22930593, 29288497, 32372680, 32543048)

Mendelics
Classification: Uncertain significance. Last evaluated: 2022-05-04. Review status: criteria provided, single submitter. Criteria: Mendelics Assertion Criteria 2019. Collection method: clinical testing. Allele origin: germline.

Center for Pediatric Genomic Medicine, Children's Mercy Hospital and Clinics
Classification: Uncertain significance. Last evaluated: 2017-08-30. Review status: criteria provided, single submitter. Criteria: ACMG Guidelines, 2015. Collection method: clinical testing. Allele origin: germline.

Joint Genome Diagnostic Labs from Nijmegen and Maastricht, Radboudumc and MUMC+
Classification: Uncertain significance. Last evaluated: 2024-01-02. Review status: no assertion criteria provided. Collection method: clinical testing. Allele origin: germline. Inheritance: Autosomal dominant inheritance. Affected: yes. Study: VKGL Data-share Consensus. Not counted in ClinVar's aggregate classification.

Dr. Peter K. Rogan Lab, Western University
No classification provided (evidence only). Condition: Cervical cancer. Review status: no classification provided. Collection method: in vitro. Allele origin: not applicable. Functional consequence: retained intron. Not counted in ClinVar's aggregate classification.

OMIM
Classification: Pathogenic for CHARCOT-MARIE-TOOTH DISEASE, AXONAL, TYPE 2W. Last evaluated: 2013-01-01. Review status: flagged submission. Collection method: literature only. Allele origin: germline. Not counted in ClinVar's aggregate classification.
ClinVar note: Reason: Claim with insufficient supporting evidence

Clinical Genetics DNA and cytogenetics Diagnostics Lab, Erasmus MC, Erasmus Medical Center
Classification: Likely pathogenic. Review status: flagged submission. Collection method: clinical testing. Allele origin: germline. Affected: yes. Study: VKGL Data-share Consensus. Not counted in ClinVar's aggregate classification.
ClinVar note: Reason: Claim with insufficient supporting evidence

Clinical Genetics, Academic Medical Center
Classification: Likely pathogenic. Review status: flagged submission. Collection method: clinical testing. Allele origin: germline. Affected: yes. Study: VKGL Data-share Consensus. Not counted in ClinVar's aggregate classification.
ClinVar note: Reason: Claim with insufficient supporting evidence

Literature cited by the submitters: PubMed 22930593 (cited by 3 submitters); PubMed 27353947 (cited by Labcorp Genetics (formerly Invitae), Labcorp); PubMed 29790872 (cited by Labcorp Genetics (formerly Invitae), Labcorp and Ambry Genetics); PubMed 36964972 (cited by Labcorp Genetics (formerly Invitae), Labcorp); PubMed 32543048 (cited by Labcorp Genetics (formerly Invitae), Labcorp and Ambry Genetics).

NM_002109.6(HARS1):c.410G>A (p.Arg137Gln)

Gene: HARS1 (histidyl-tRNA synthetase 1; minus strand). Cytogenetic location: 5q31.3.
Variant type: single nucleotide variant.
Coding change: c.410G>A on transcript NM_002109.6 (MANE Select); coding-DNA position 410, G replaced by A.
Protein change: p.Arg137Gln; replaces arginine 137 with glutamine.
Molecular consequence: missense variant. On other transcripts: intron variant (2).
Genome position (GRCh38, 1-based): chr5:140,679,114, C>T on the plus strand (G>A on the coding strand, the complement: HARS1 is on the minus strand). VCF-style: chr5-140679114-C-T. GRCh37 (hg19) VCF-style: chr5-140058699-C-T.
Other names: HARS1, ARG137GLN (rs191391414); c.290G>A, p.Arg97Gln (NM_001258040.3, NM_001258042.3); c.410G>A, p.Arg137Gln (NM_001258041.3); c.323G>A, p.Arg108Gln (NM_001289094.2); c.181-1099G>A (NM_001289093.2); c.301-1099G>A (NM_001289092.2); short protein forms R137Q, R108Q, R97Q.
Identifiers: ClinVar variation 40062 (VCV000040062.27), dbSNP rs191391414, ClinGen allele CA130727.
Genomic context (GRCh38, chr5:140,679,114, plus strand): 5'-CGATATACCTTTGCTATGTGGTAGCGTTTAATGTTGGTCAGTTTATTCATTGCCAAATAC[C>T]GAGCAAAAGGAACCTGATGACAAAGAGTTAAGGAGAAAGCCCCTCCTATCACTGTCTGCA-3'
Protein context (NP_002100.2, residues 127-147): LRYDLTVPFA[Arg137Gln]YLAMNKLTNI